The following is an entry in ClinVar:

ClinVar aggregate classification (germline): Uncertain significance (1 of 4 stars; one submission).

Conditions:
MHC class I deficiency. Identifiers: Orphanet 34592, MedGen C6024714, MONDO:0011476.

Submission:

Labcorp Genetics (formerly Invitae), Labcorp
Classification: Uncertain significance for MHC class I deficiency 1. Last evaluated: 2019-07-19. Review status: criteria provided, single submitter. Criteria: Invitae Variant Classification Sherloc (09022015). Collection method: clinical testing. Allele origin: germline.
Comment: This sequence change replaces alanine with glycine at codon 33 of the TAPBP protein (p.Ala33Gly). The alanine residue is weakly conserved and there is a small physicochemical difference between alanine and glycine. This variant is not present in population databases (ExAC no frequency). This variant has not been reported in the literature in individuals with TAPBP-related conditions. Algorithms developed to predict the effect of missense changes on protein structure and function (SIFT, PolyPhen-2, Align-GVGD) all suggest that this variant is likely to be tolerated, but these predictions have not been confirmed by published functional studies and their clinical significance is uncertain. In summary, the available evidence is currently insufficient to determine the role of this variant in disease. Therefore, it has been classified as a Variant of Uncertain Significance.

NM_003190.5(TAPBP):c.98C>G (p.Ala33Gly)

Gene: TAPBP (TAP binding protein; minus strand). Cytogenetic location: 6p21.32.
Variant type: single nucleotide variant.
Coding change: c.98C>G on transcript NM_003190.5 (MANE Select); coding-DNA position 98, C replaced by G.
Protein change: p.Ala33Gly; replaces alanine 33 with glycine.
Molecular consequence: missense variant.
Genome position (GRCh38, 1-based): chr6:33,313,804, G>C on the plus strand (C>G on the coding strand, the complement: TAPBP is on the minus strand). VCF-style: chr6-33313804-G-C. GRCh37 (hg19) VCF-style: chr6-33281581-G-C.
Other names: c.98C>G, p.Ala33Gly (NM_172208.3, NM_172209.3); short protein forms A33G.
Identifiers: ClinVar variation 953159 (VCV000953159.9), dbSNP rs368154041, ClinGen allele CA363623011.